The following is an entry in ClinVar:

ClinVar aggregate classification (germline): Pathogenic. Review status: criteria provided, multiple submitters, no conflicts (2 of 4 stars). 2 submissions from 2 submitters: Pathogenic (2). Last evaluated 2023-12-13.

Conditions:
Neurodevelopmental disorder with regression, abnormal movements, loss of speech, and seizures. Identifiers: Orphanet 597623, MedGen C4748127, MONDO:0060759, OMIM 618088.

Submissions (2):

Institute of Human Genetics, University of Leipzig Medical Center
Classification: Pathogenic for Neurodevelopmental disorder with regression, abnormal movements, loss of speech, and seizures. Last evaluated: 2023-12-13. Review status: criteria provided, single submitter. Criteria: ACMG Guidelines, 2015. Collection method: clinical testing. Allele origin: de novo. Inheritance: Autosomal dominant inheritance. Affected: yes.
Comment: Criteria applied: PVS1,PS2_MOD,PS4_MOD,PM2_SUP

Victorian Clinical Genetics Services, Murdoch Childrens Research Institute
Classification: Pathogenic for Neurodevelopmental disorder with regression, abnormal movements, loss of speech, and seizures. Last evaluated: 2022-09-02. Review status: criteria provided, single submitter. Criteria: ACMG Guidelines, 2015. Collection method: clinical testing. Allele origin: germline. Inheritance: Autosomal dominant inheritance. Affected: yes.
Comment: Based on the classification scheme VCGS_Germline_v1.3.4, this variant is classified as Pathogenic. Following criteria are met: 0102 - Loss of function is a known mechanism of disease in this gene and is associated with Neurodevelopmental disorder with regression, abnormal movements, loss of speech, and seizures (MIM#618088). (I) 0107 - This gene is associated with autosomal dominant disease. (I) 0204 - Variant is predicted to result in a truncated protein (premature termination codons in this gene are known to escape nonsense-mediated decay (PMID 30057031; PMID 30166628) with at least 1/3 of the protein sequence affected. (SP) 0251 - This variant is heterozygous. (I) 0301 - Variant is absent from gnomAD (both v2 and v3). (SP) 0701 - Other truncating variants comparable to the one identified in this case have very strong previous evidence for pathogenicity (Decipher, PMID 30057031; PMID 30166628; PMID 31432588). (SP) 0803 - This variant has limited previous evidence of pathogenicity in an individual. (SP) 1007 - No published functional evidence has been identified for this variant. (I) 1208 - Inheritance information for this variant is not currently available in this individual. (I) Legend: (SP) - Supporting pathogenic, (I) - Information, (SB) - Supporting benign

Literature cited by the submitters: PubMed 30057031 (cited by Victorian Clinical Genetics Services, Murdoch Childrens Research Institute); PubMed 30166628 (cited by Victorian Clinical Genetics Services, Murdoch Childrens Research Institute); PubMed 31432588 (cited by Victorian Clinical Genetics Services, Murdoch Childrens Research Institute).

NM_024496.4(IRF2BPL):c.496G>T (p.Glu166Ter)

Gene: IRF2BPL (interferon regulatory factor 2 binding protein like; minus strand). Cytogenetic location: 14q24.3.
Variant type: single nucleotide variant.
Coding change: c.496G>T on transcript NM_024496.4 (MANE Select); coding-DNA position 496, G replaced by T.
Protein change: p.Glu166Ter; replaces glutamic acid 166 with a stop codon.
Molecular consequence: nonsense.
Genome position (GRCh38, 1-based): chr14:77,027,297, C>A on the plus strand (G>T on the coding strand, the complement: IRF2BPL is on the minus strand). VCF-style: chr14-77027297-C-A. GRCh37 (hg19) VCF-style: chr14-77493640-C-A.
Other names: short protein forms E166*.
Identifiers: ClinVar variation 1699034 (VCV001699034.5), dbSNP rs2139976004, ClinGen allele CA390499223.
Genomic context (GRCh38, chr14:77,027,297, plus strand): 5'-TGTGGCTGCTGCTTCCCAGGCTCACCGGCGGTGGCGGGTACTCGAAGCGGCTGCGCTGTT[C>A]CACCGCAGCGGCGGCGGCGGCGGCGGCGGCGGCGGCAGCGCTTAGGCCGTAGCGCTCCAG-3'